The following is an entry in ClinVar:

NM_024496.4(IRF2BPL):c.1677G>C (p.Lys559Asn)

Gene: IRF2BPL (interferon regulatory factor 2 binding protein like; minus strand). Cytogenetic location: 14q24.3.
Variant type: single nucleotide variant.
Coding change: c.1677G>C on transcript NM_024496.4 (MANE Select); coding-DNA position 1677, G replaced by C.
Protein change: p.Lys559Asn; replaces lysine 559 with asparagine.
Molecular consequence: missense variant.
Genome position (GRCh38, 1-based): chr14:77,026,116, C>G on the plus strand (G>C on the coding strand, the complement: IRF2BPL is on the minus strand). VCF-style: chr14-77026116-C-G. GRCh37 (hg19) VCF-style: chr14-77492459-C-G.
Other names: c.1677G>C (NM_024496.3); short protein forms K559N.
Identifiers: ClinVar variation 3110855 (VCV003110855.4), dbSNP rs1472006916, ClinGen allele CA390492571.

ClinVar aggregate classification (germline): Uncertain significance. Review status: criteria provided, multiple submitters, no conflicts (2 of 4 stars). 3 submissions from 3 submitters: Uncertain significance (3). Last evaluated 2025-12-09.

Conditions:
Inborn genetic diseases. Identifiers: MedGen C0950123, MeSH D030342.
IRF2BPL-related disorder. Also called: IRF2BPL-related condition. Identifiers: MedGen CN381093.

Allele frequency attached by ClinVar (database versions not stated): gnomAD 0.00001; TOPMed 0.00004.
gnomAD v4.1: 13 of 1,570,618 alleles (0.00083%); highest among the groups gnomAD compares: Admixed American, 0.0072%; no homozygotes.

Submissions (3):

Dasa
Classification: Uncertain significance. Last evaluated: 2025-12-09. Review status: criteria provided, single submitter. Criteria: DASA Assertion Criteria. Collection method: clinical testing. Allele origin: germline.
Comment: NM_024496.4(IRF2BPL):c.1677G>C (p.Lys559Asn) is a missense variant that results in the substitution of lysine with asparagine. This variant is rare in population databases. Computational prediction algorithms are consistent with a benign effect. The currently available literature and clinical evidence are not sufficient to establish a definitive association between this variant and the reported condition. Therefore, this variant is classified as a variant of uncertain significance.

PreventionGenetics, part of Exact Sciences
Classification: Uncertain significance for IRF2BPL-related condition. Last evaluated: 2024-11-07. Review status: criteria provided, single submitter. Criteria: ACMG Guidelines, 2015. Collection method: clinical testing. Allele origin: germline.
Comment: The IRF2BPL c.1677G>C variant is predicted to result in the amino acid substitution p.Lys559Asn. To our knowledge, this variant has not been reported in the literature. This variant is reported in 0.0034% of alleles in individuals of Latino descent in gnomAD. At this time, the clinical significance of this variant is uncertain due to the absence of conclusive functional and genetic evidence.

Ambry Genetics
Classification: Uncertain significance for Inborn genetic diseases. Last evaluated: 2023-12-21. Review status: criteria provided, single submitter. Criteria: Ambry Variant Classification Scheme 2023. Collection method: clinical testing. Allele origin: germline.